The following is an entry in ClinVar:

NM_005219.5(DIAPH1):c.2030C>G (p.Pro677Arg)

Gene: DIAPH1 (diaphanous related formin 1; minus strand). Cytogenetic location: 5q31.3.
Variant type: single nucleotide variant.
Coding change: c.2030C>G on transcript NM_005219.5 (MANE Select); coding-DNA position 2030, C replaced by G.
Protein change: p.Pro677Arg; replaces proline 677 with arginine.
Molecular consequence: missense variant.
Genome position (GRCh38, 1-based): chr5:141,573,820, G>C on the plus strand (C>G on the coding strand, the complement: DIAPH1 is on the minus strand). VCF-style: chr5-141573820-G-C. GRCh37 (hg19) VCF-style: chr5-140953387-G-C.
Other names: c.2003C>G, p.Pro668Arg (NM_001079812.3); c.2030C>G, p.Pro677Arg (NM_001314007.2); short protein forms P677R, P668R.
Identifiers: ClinVar variation 2199826 (VCV002199826.4), dbSNP rs761912885, ClinGen allele CA361518976.

ClinVar aggregate classification (germline): Uncertain significance (1 of 4 stars; one submission).

Conditions:
Autosomal dominant nonsyndromic hearing loss 1. Also called: DEAFNESS, AUTOSOMAL DOMINANT 1, WITH OR WITHOUT THROMBOCYTOPENIA; KONIGSMARK SYNDROME. Identifiers: Orphanet 90635, MedGen C1852282, MONDO:0007424, OMIM 124900.
Progressive microcephaly-seizures-cortical blindness-developmental delay syndrome. Also called: Seizures, cortical blindness, and microcephaly syndrome. Identifiers: Orphanet 477814, MedGen C5567650, MONDO:0014714, OMIM 616632.

gnomAD v4.1: 1 of 1,518,394 alleles (0.000066%); highest among the groups gnomAD compares: Non-Finnish European, 0.000089%; no homozygotes.

Submission:

Labcorp Genetics (formerly Invitae), Labcorp
Classification: Uncertain significance for Progressive microcephaly-seizures-cortical blindness-developmental delay syndrome; Autosomal dominant nonsyndromic hearing loss 1. Last evaluated: 2022-09-07. Review status: criteria provided, single submitter. Criteria: Invitae Variant Classification Sherloc (09022015). Collection method: clinical testing. Allele origin: germline.
Comment: This sequence change replaces proline, which is neutral and non-polar, with arginine, which is basic and polar, at codon 677 of the DIAPH1 protein (p.Pro677Arg). This variant is present in population databases (no rsID available, gnomAD 0.002%). This variant has not been reported in the literature in individuals affected with DIAPH1-related conditions. Algorithms developed to predict the effect of missense changes on protein structure and function are either unavailable or do not agree on the potential impact of this missense change (SIFT: "Deleterious"; PolyPhen-2: "Not Available"; Align-GVGD: "Class C0"). In summary, the available evidence is currently insufficient to determine the role of this variant in disease. Therefore, it has been classified as a Variant of Uncertain Significance.